The following is an entry in ClinVar:

ClinVar aggregate classification (germline): Uncertain significance (1 of 4 stars; one submission).

Conditions:
Autosomal dominant Parkinson disease 8. Also called: LRRK2-Related Parkinson Disease; Parkinson disease 8; Parkinson disease 8, susceptibility to. Identifiers: Orphanet 411602, MedGen C1846862, MONDO:0011764, OMIM 607060.

Submission:

Labcorp Genetics (formerly Invitae), Labcorp
Classification: Uncertain significance for Autosomal dominant Parkinson disease 8. Last evaluated: 2024-03-12. Review status: criteria provided, single submitter. Criteria: Invitae Variant Classification Sherloc (09022015). Collection method: clinical testing. Allele origin: germline.
Comment: This sequence change creates a premature translational stop signal (p.Thr833Ilefs*2) in the LRRK2 gene. It is expected to result in an absent or disrupted protein product. However, the current clinical and genetic evidence is not sufficient to establish whether loss-of-function variants in LRRK2 cause disease. This variant is present in population databases (rs767965556, gnomAD 0.0009%). This variant has not been reported in the literature in individuals affected with LRRK2-related conditions. In summary, the available evidence is currently insufficient to determine the role of this variant in disease. Therefore, it has been classified as a Variant of Uncertain Significance.

NM_198578.4(LRRK2):c.2493_2496ACAA[1] (p.Thr833fs)

Gene: LRRK2 (leucine rich repeat kinase 2; plus strand). Cytogenetic location: 12q12.
Variant type: Microsatellite.
Coding change: c.2493_2496ACAA[1] on transcript NM_198578.4 (MANE Select).
Protein change: p.Thr833fs; shifts the reading frame from threonine 833.
Molecular consequence: frameshift variant.
Genome position: GRCh38 VCF-style: chr12-40284123-GAAAC-G. GRCh37 (hg19) VCF-style: chr12-40677925-GAAAC-G.
Other names: short protein forms T833fs.
Identifiers: ClinVar variation 3694112 (VCV003694112.2).
Genomic context (GRCh38, chr12:40,284,123, plus strand): 5'-AGGAAAAGTTGAACCTTCTTGGCTTGGTCCTTTATTTCCAGATAAGACTTCTAATTTAAG[GAAAC>G]AAACAAGTAAGTAACAAGGAGAATATTTTTTACAATTCTTATTTTTAATAGTATTTTTTT-3'